The following is an entry in ClinVar:

NM_000089.4(COL1A2):c.3175T>C (p.Ser1059Pro)

Gene: COL1A2 (collagen type I alpha 2 chain; plus strand). Cytogenetic location: 7q21.3.
Variant type: single nucleotide variant.
Coding change: c.3175T>C on transcript NM_000089.4 (MANE Select); coding-DNA position 3175, T replaced by C.
Protein change: p.Ser1059Pro; replaces serine 1059 with proline.
Molecular consequence: missense variant.
Genome position (GRCh38, 1-based): chr7:94,427,203, T>C. VCF-style: chr7-94427203-T-C. GRCh37 (hg19) VCF-style: chr7-94056515-T-C.
Other names: short protein forms S1059P.
Identifiers: ClinVar variation 3230284 (VCV003230284.1), dbSNP rs2484737599, ClinGen allele CA368225433.

ClinVar aggregate classification (germline): Uncertain significance (1 of 4 stars; one submission).

Conditions:
Cardiovascular phenotype. Identifiers: MedGen CN230736.

Submission:

Ambry Genetics
Classification: Uncertain significance for Cardiovascular phenotype. Last evaluated: 2024-03-01. Review status: criteria provided, single submitter. Criteria: Ambry Variant Classification Scheme 2023. Collection method: clinical testing. Allele origin: germline.
Comment: The p.S1059P variant (also known as c.3175T>C), located in coding exon 48 of the COL1A2 gene, results from a T to C substitution at nucleotide position 3175. The serine at codon 1059 is replaced by proline, an amino acid with similar properties. This amino acid position is not well conserved in available vertebrate species. In addition, the in silico prediction for this alteration is inconclusive. Based on the available evidence, the clinical significance of this alteration remains unclear.